The following is an entry in ClinVar:

ClinVar aggregate classification (germline): Uncertain significance (1 of 4 stars; one submission).

Conditions:
Cardiovascular phenotype. Identifiers: MedGen CN230736.

Allele frequency attached by ClinVar (database versions not stated): ExAC 0.00001.
gnomAD v4.1: 1 of 1,614,174 alleles (0.000062%); highest among the groups gnomAD compares: Non-Finnish European, 0.000085%; no homozygotes.

Submission:

Ambry Genetics
Classification: Uncertain significance for Cardiovascular phenotype. Last evaluated: 2022-01-11. Review status: criteria provided, single submitter. Criteria: Ambry Variant Classification Scheme 2023. Collection method: clinical testing. Allele origin: germline.
Comment: The p.F633L variant (also known as c.1899C>G), located in coding exon 14 of the APOB gene, results from a C to G substitution at nucleotide position 1899. The phenylalanine at codon 633 is replaced by leucine, an amino acid with highly similar properties. This amino acid position is conserved. In addition, this alteration is predicted to be tolerated by in silico analysis. Since supporting evidence is limited at this time, the clinical significance of this alteration remains unclear.

NM_000384.3(APOB):c.1899C>G (p.Phe633Leu)

Gene: APOB (apolipoprotein B; minus strand). Cytogenetic location: 2p24.1.
Variant type: single nucleotide variant.
Coding change: c.1899C>G on transcript NM_000384.3 (MANE Select); coding-DNA position 1899, C replaced by G.
Protein change: p.Phe633Leu; replaces phenylalanine 633 with leucine.
Molecular consequence: missense variant.
Genome position (GRCh38, 1-based): chr2:21,027,996, G>C on the plus strand (C>G on the coding strand, the complement: APOB is on the minus strand). VCF-style: chr2-21027996-G-C. GRCh37 (hg19) VCF-style: chr2-21250868-G-C.
Other names: short protein forms F633L.
Identifiers: ClinVar variation 1782216 (VCV001782216.2), dbSNP rs756605601, ClinGen allele CA054829.